The following is an entry in ClinVar:

ClinVar aggregate classification (germline): Uncertain significance (1 of 4 stars; one submission).

Conditions:
Aortic aneurysm, familial thoracic 7 (AAT7). Also called: AORTIC DISSECTION, FAMILIAL, WITH OR WITHOUT AORTIC ANEURYSM. Identifiers: MedGen C3151077, MONDO:0013418, OMIM 613780.

Submission:

Labcorp Genetics (formerly Invitae), Labcorp
Classification: Uncertain significance for Aortic aneurysm, familial thoracic 7. Last evaluated: 2022-08-31. Review status: criteria provided, single submitter. Criteria: Invitae Variant Classification Sherloc (09022015). Collection method: clinical testing. Allele origin: germline.
Comment: In summary, the available evidence is currently insufficient to determine the role of this variant in disease. Therefore, it has been classified as a Variant of Uncertain Significance. Experimental studies and prediction algorithms are not available or were not evaluated, and the functional significance of this variant is currently unknown. This variant has been observed in individual(s) with clinical features of thoracic aortic aneurysm and dissection (Invitae). This variant is not present in population databases (gnomAD no frequency). This variant, c.2524_2526del, results in the deletion of 1 amino acid(s) of the MYLK protein (p.Gly842del), but otherwise preserves the integrity of the reading frame.

NM_053025.4(MYLK):c.2518GGT[2] (p.Gly842del)

Gene: MYLK (myosin light chain kinase; minus strand). Cytogenetic location: 3q21.1.
Variant type: Microsatellite.
Coding change: c.2518GGT[2] on transcript NM_053025.4 (MANE Select); two copies in a row of the 3-base unit GGT starting at c.2518; the reference has three copies in a row; one copy, 3 bases deleted.
Protein change: p.Gly842del; deletes glycine 842.
Molecular consequence: inframe deletion.
Genome position (GRCh38, 1-based): chr3:123,700,942-123,700,944, ACC deleted on the plus strand (GGT on the coding strand, the reverse complement: MYLK is on the minus strand); deleting any 3 consecutive bases within chr3:123,700,942-123,700,951 gives the same sequence; the position shown is the placement nearest the transcript's 3' end. VCF-style (leftmost placement, unchanged base first): chr3-123700941-TACC-T. GRCh37 (hg19) VCF-style: chr3-123419788-TACC-T.
Other names: c.1990GGT[2], p.Gly666del (NM_001321309.2); c.2311GGT[2], p.Gly773del (NM_053026.4, NM_053028.4); c.2518GGT[2], p.Gly842del (NM_053027.4); short protein forms G666del, G773del, G842del.
Identifiers: ClinVar variation 1008169 (VCV001008169.8), dbSNP rs2061179969, ClinGen allele CA1398514966.